The following is an entry in ClinVar:

ClinVar aggregate classification (germline): Benign/Likely benign. Review status: criteria provided, multiple submitters, no conflicts (2 of 4 stars). 8 submissions from 6 submitters: Benign (2); Likely benign (4). 2 of the submissions do not count toward it. Last evaluated 2026-01-12.

Conditions:
Complement component 3 deficiency. Identifiers: Orphanet 280133, MedGen C3151071, MONDO:0013417, OMIM 613779.
Age related macular degeneration 9. Identifiers: MedGen C1969651, MONDO:0012659, OMIM 611378.
Atypical hemolytic-uremic syndrome with C3 anomaly. Also called: AHUS, SUSCEPTIBILITY TO, 5. Identifiers: Orphanet 2134, MedGen C2752037, MONDO:0013043, OMIM 612925.

Allele frequency attached by ClinVar (database versions not stated): gnomAD 0.00026 and 0.00038; TOPMed 0.00031; ExAC 0.00055; gnomAD exomes 0.00066; 1000 Genomes Project 30x 0.00250; 1000 Genomes Project 0.00300.
gnomAD v4.1: 296 of 1,614,036 alleles (0.018%); highest among the groups gnomAD compares: East Asian, 0.41%; no homozygotes.

Submissions (8):

Labcorp Genetics (formerly Invitae), Labcorp
Classification: Benign. Last evaluated: 2026-01-12. Review status: criteria provided, single submitter. Criteria: Invitae Variant Classification Sherloc (09022015). Collection method: clinical testing. Allele origin: germline.

Blueprint Genetics
Classification: Likely benign. Last evaluated: 2024-10-28. Review status: criteria provided, single submitter. Criteria: ACMG Guidelines, 2015. Collection method: clinical testing. Allele origin: germline.

Fulgent Genetics
Classification: Likely benign for Age related macular degeneration 9; Atypical hemolytic-uremic syndrome with C3 anomaly; Complement component 3 deficiency. Last evaluated: 2022-01-02. Review status: criteria provided, single submitter. Criteria: ACMG Guidelines, 2015. Collection method: clinical testing. Allele origin: unknown.

Illumina Laboratory Services, Illumina
Classification: Likely benign for Complement component 3 deficiency. Last evaluated: 2018-01-12. Review status: criteria provided, single submitter. Criteria: ICSL Variant Classification Criteria 13 December 2019. Collection method: clinical testing. Allele origin: germline.
Comment: This variant was observed in the ICSL laboratory as part of a predisposition screen in an ostensibly healthy population. It had not been previously curated by ICSL or reported in the Human Gene Mutation Database (HGMD: prior to June 1st, 2018), and was therefore a candidate for classification through an automated scoring system. Utilizing variant allele frequency, disease prevalence and penetrance estimates, and inheritance mode, an automated score was calculated to assess if this variant is too frequent to cause the disease. Based on the score and internal cut-off values, a variant classified as likely benign is not then subjected to further curation. The score for this variant resulted in a classification of likely benign for this disease.

Illumina Laboratory Services, Illumina
Classification: Benign for Atypical hemolytic-uremic syndrome with C3 anomaly. Last evaluated: 2018-01-12. Review status: criteria provided, single submitter. Criteria: ICSL Variant Classification Criteria 13 December 2019. Collection method: clinical testing. Allele origin: germline.
Comment: This variant was observed in the ICSL laboratory as part of a predisposition screen in an ostensibly healthy population. It had not been previously curated by ICSL or reported in the Human Gene Mutation Database (HGMD: prior to June 1st, 2018), and was therefore a candidate for classification through an automated scoring system. Utilizing variant allele frequency, disease prevalence and penetrance estimates, and inheritance mode, an automated score was calculated to assess if this variant is too frequent to cause the disease. Based on the score and internal cut-off values, a variant classified as benign is not then subjected to further curation. The score for this variant resulted in a classification of benign for this disease.

Illumina Laboratory Services, Illumina
Classification: Likely benign for Age related macular degeneration 9. Last evaluated: 2018-01-12. Review status: criteria provided, single submitter. Criteria: ICSL Variant Classification Criteria 13 December 2019. Collection method: clinical testing. Allele origin: germline.
Comment: the same text as in the submission from Illumina Laboratory Services, Illumina above.

Clinical Genetics DNA and cytogenetics Diagnostics Lab, Erasmus MC, Erasmus Medical Center
Classification: Likely benign. Review status: no assertion criteria provided. Collection method: clinical testing. Allele origin: germline. Affected: yes. Study: VKGL Data-share Consensus. Not counted in ClinVar's aggregate classification.

Genome Diagnostics Laboratory, University Medical Center Utrecht
Classification: Likely benign. Review status: no assertion criteria provided. Collection method: clinical testing. Allele origin: germline. Affected: yes. Study: VKGL Data-share Consensus. Not counted in ClinVar's aggregate classification.

NM_000064.4(C3):c.4635C>T (p.Tyr1545=)

Gene: C3 (complement C3; minus strand). Cytogenetic location: 19p13.3.
Variant type: single nucleotide variant.
Coding change: c.4635C>T on transcript NM_000064.4 (MANE Select); coding-DNA position 4635, C replaced by T.
Protein change: p.Tyr1545=; no amino-acid change (tyrosine 1545 retained).
Molecular consequence: synonymous variant.
Genome position (GRCh38, 1-based): chr19:6,678,451, G>A on the plus strand (C>T on the coding strand, the complement: C3 is on the minus strand). VCF-style: chr19-6678451-G-A. GRCh37 (hg19) VCF-style: chr19-6678462-G-A.
Other names: c.4635C>T (LRG_27t1).
Identifiers: ClinVar variation 330278 (VCV000330278.17), dbSNP rs189948635, ClinGen allele CA9128310.
Genomic context (GRCh38, chr19:6,678,451, plus strand): 5'-AATGGCCATGATGTACTCGTCAAAGTCATTGGACAGCTGAACCTTGACCAGTCGGGTCTT[G>A]TACACTGTGGGGGAGAGGCAGACAGTTTGGGTGGTGGGCTAGGTTGACCATGAGGGGCAC-3'
Protein context (NP_000055.2, residues 1535-1555): KACEPGVDYV[Tyr1545=]KTRLVKVQLS